The following is an entry in ClinVar:

NM_002633.3(PGM1):c.1144+10A>G

Gene: PGM1 (phosphoglucomutase 1; plus strand). Cytogenetic location: 1p31.3.
Variant type: single nucleotide variant.
Coding change: c.1144+10A>G on transcript NM_002633.3 (MANE Select); 10 bases into the intron after coding-DNA position 1144, A replaced by G.
Molecular consequence: intron variant.
Genome position (GRCh38, 1-based): chr1:63,638,810, A>G. VCF-style: chr1-63638810-A-G. GRCh37 (hg19) VCF-style: chr1-64104481-A-G.
Other names: c.553+10A>G (NM_001172819.2); c.1198+10A>G (NM_001172818.1).
Identifiers: ClinVar variation 297882 (VCV000297882.9), dbSNP rs886046482, ClinGen allele CA10610247.

ClinVar aggregate classification (germline): Likely benign. Review status: criteria provided, multiple submitters, no conflicts (2 of 4 stars). 2 submissions from 2 submitters: Likely benign (2). Last evaluated 2025-03-22.

Conditions:
PGM1-congenital disorder of glycosylation. Also called: CDG It; Congenital disorder of glycosylation type 1t; PHOSPHOGLUCOMUTASE 1 DEFICIENCY; PGM1 DEFICIENCY; GLYCOGEN STORAGE DISEASE XIV; GSD XIV. Identifiers: Orphanet 319646, MedGen C2752015, MONDO:0013968, OMIM 614921.

Allele frequency attached by ClinVar (database versions not stated): gnomAD exomes 0.00001 and 0.00002; gnomAD 0.00002 and 0.00003; TOPMed 0.00003.
gnomAD v4.1: 24 of 1,572,648 alleles (0.0015%); highest among the groups gnomAD compares: Non-Finnish European, 0.0018%; no homozygotes.

Submissions (2):

Labcorp Genetics (formerly Invitae), Labcorp
Classification: Likely benign for PGM1-congenital disorder of glycosylation. Last evaluated: 2025-03-22. Review status: criteria provided, single submitter. Criteria: Invitae Variant Classification Sherloc (09022015). Collection method: clinical testing. Allele origin: germline.

GeneDx
Classification: Likely benign. Last evaluated: 2017-11-30. Review status: criteria provided, single submitter. Criteria: GeneDx Variant Classification (06012015). Collection method: clinical testing. Allele origin: germline. Affected: yes.
Comment: This variant is considered likely benign or benign based on one or more of the following criteria: it is a conservative change, it occurs at a poorly conserved position in the protein, it is predicted to be benign by multiple in silico algorithms, and/or has population frequency not consistent with disease.